The following is an entry in ClinVar:

ClinVar aggregate classification (germline): Uncertain significance (1 of 4 stars; one submission).

Allele frequency attached by ClinVar (database versions not stated): gnomAD exomes below 0.00001.

Submission:

Labcorp Genetics (formerly Invitae), Labcorp
Classification: Uncertain significance. Last evaluated: 2022-03-26. Review status: criteria provided, single submitter. Criteria: Invitae Variant Classification Sherloc (09022015). Collection method: clinical testing. Allele origin: germline.
Comment: In summary, the available evidence is currently insufficient to determine the role of this variant in disease. Therefore, it has been classified as a Variant of Uncertain Significance. Algorithms developed to predict the effect of missense changes on protein structure and function are either unavailable or do not agree on the potential impact of this missense change (SIFT: "Tolerated"; PolyPhen-2: "Probably Damaging"; Align-GVGD: "Class C0"). This variant has not been reported in the literature in individuals affected with SLC4A1-related conditions. This variant is present in population databases (no rsID available, gnomAD 0.006%). This sequence change replaces valine, which is neutral and non-polar, with leucine, which is neutral and non-polar, at codon 231 of the SLC4A1 protein (p.Val231Leu).

NM_000342.4(SLC4A1):c.691G>C (p.Val231Leu)

Gene: SLC4A1 (solute carrier family 4 member 1 (Diego blood group); minus strand). Cytogenetic location: 17q21.31.
Variant type: single nucleotide variant.
Coding change: c.691G>C on transcript NM_000342.4 (MANE Select); coding-DNA position 691, G replaced by C.
Protein change: p.Val231Leu; replaces valine 231 with leucine.
Molecular consequence: missense variant.
Genome position (GRCh38, 1-based): chr17:44,259,500, C>G on the plus strand (G>C on the coding strand, the complement: SLC4A1 is on the minus strand). VCF-style: chr17-44259500-C-G. GRCh37 (hg19) VCF-style: chr17-42336868-C-G.
Other names: short protein forms V231L.
Identifiers: ClinVar variation 1495484 (VCV001495484.6), dbSNP rs1375641608, ClinGen allele CA399790755.
Genomic context (GRCh38, chr17:44,259,500, plus strand): 5'-GGCTGAGCCAAGACACGAGGGGTGTGGAGGGCTGAGGGTAGAGATGCCTGTTCTTACCCA[C>G]TAGCACCAACGTGGCCTCTGAATCCGGGGGAATCTTTTCCAGAATTCCAGATGGTGAGTG-3'
Protein context (NP_000333.1, residues 221-241): PPDSEATLVL[Val231Leu]GRADFLEQPV